The following is an entry in ClinVar:

NM_004525.3(LRP2):c.8530G>A (p.Gly2844Arg)

Gene: LRP2 (LDL receptor related protein 2; minus strand). Cytogenetic location: 2q31.1.
Variant type: single nucleotide variant.
Coding change: c.8530G>A on transcript NM_004525.3 (MANE Select); coding-DNA position 8530, G replaced by A.
Protein change: p.Gly2844Arg; replaces glycine 2844 with arginine.
Molecular consequence: missense variant.
Genome position (GRCh38, 1-based): chr2:169,198,834, C>T on the plus strand (G>A on the coding strand, the complement: LRP2 is on the minus strand). VCF-style: chr2-169198834-C-T. GRCh37 (hg19) VCF-style: chr2-170055344-C-T.
Other names: short protein forms G2844R.
Identifiers: ClinVar variation 332125 (VCV000332125.12), dbSNP rs533432746, ClinGen allele CA1953829.
Genomic context (GRCh38, chr2:169,198,834, plus strand): 5'-TATCTTACTCACTGCAATAAGTAGGGTTTTCATCACTGTTATCTCCACAGTCATTGTCTC[C>T]GTCACACAAATAAACGCGAGGAATACAAATATTTGAATTATGACATTTTGTGTATCCAGA-3'
Protein context (NP_004516.2, residues 2834-2854): ICIPRVYLCD[Gly2844Arg]DNDCGDNSDE

ClinVar aggregate classification (germline): Uncertain significance. Review status: criteria provided, multiple submitters, no conflicts (2 of 4 stars). 5 submissions from 5 submitters: Uncertain significance (5). Last evaluated 2024-12-31.

Conditions:
Inborn genetic diseases. Identifiers: MedGen C0950123, MeSH D030342.
Donnai-Barrow syndrome. Also called: DBS/FOAR SYNDROME; FACIOOCULOACOUSTICORENAL SYNDROME. Identifiers: Orphanet 2143, MedGen C1857277, MONDO:0009104, OMIM 222448.

Allele frequency attached by ClinVar (database versions not stated): gnomAD exomes 0.00003 and 0.00006; TOPMed 0.00003; gnomAD 0.00005 and 0.00007; ExAC 0.00007; 1000 Genomes Project 0.00040; 1000 Genomes Project 30x 0.00062.
gnomAD v4.1: 49 of 1,613,906 alleles (0.003%); highest among the groups gnomAD compares: South Asian, 0.034%; no homozygotes.

Submissions (5):

Ambry Genetics
Classification: Uncertain significance for Inborn genetic diseases. Last evaluated: 2024-12-31. Review status: criteria provided, single submitter. Criteria: Ambry Variant Classification Scheme 2023. Collection method: clinical testing. Allele origin: germline.

Labcorp Genetics (formerly Invitae), Labcorp
Classification: Uncertain significance. Last evaluated: 2022-08-09. Review status: criteria provided, single submitter. Criteria: Invitae Variant Classification Sherloc (09022015). Collection method: clinical testing. Allele origin: germline.
Comment: This sequence change replaces glycine, which is neutral and non-polar, with arginine, which is basic and polar, at codon 2844 of the LRP2 protein (p.Gly2844Arg). This variant is present in population databases (rs533432746, gnomAD 0.03%). This variant has not been reported in the literature in individuals affected with LRP2-related conditions. ClinVar contains an entry for this variant (Variation ID: 332125). Advanced modeling of protein sequence and biophysical properties (such as structural, functional, and spatial information, amino acid conservation, physicochemical variation, residue mobility, and thermodynamic stability) performed at Invitae indicates that this missense variant is expected to disrupt LRP2 protein function. Algorithms developed to predict the effect of sequence changes on RNA splicing suggest that this variant may create or strengthen a splice site. In summary, the available evidence is currently insufficient to determine the role of this variant in disease. Therefore, it has been classified as a Variant of Uncertain Significance.

Fulgent Genetics
Classification: Uncertain significance for Donnai-Barrow syndrome. Last evaluated: 2021-12-30. Review status: criteria provided, single submitter. Criteria: ACMG Guidelines, 2015. Collection method: clinical testing. Allele origin: unknown.

Blueprint Genetics
Classification: Uncertain significance. Last evaluated: 2021-11-18. Review status: criteria provided, single submitter. Criteria: ACMG Guidelines, 2015. Collection method: clinical testing. Allele origin: germline.

Illumina Laboratory Services, Illumina
Classification: Uncertain significance for Donnai-Barrow syndrome. Last evaluated: 2018-01-12. Review status: criteria provided, single submitter. Criteria: ICSL Variant Classification Criteria 13 December 2019. Collection method: clinical testing. Allele origin: germline.